The following is an entry in ClinVar:

ClinVar aggregate classification (germline): Uncertain significance. Review status: criteria provided, multiple submitters, no conflicts (2 of 4 stars). 2 submissions from 2 submitters: Uncertain significance (2). Last evaluated 2025-03-04.

Conditions:
Oligodontia-cancer predisposition syndrome. Also called: TOOTH AGENESIS-COLORECTAL CANCER SYNDROME. Identifiers: Orphanet 300576, MedGen C1837750, MONDO:0012075, OMIM 608615. Disease mechanism: loss of function.

gnomAD v4.1: 1 of 1,613,868 alleles (0.000062%); highest among the groups gnomAD compares: South Asian, 0.0011%; no homozygotes.

Submissions (2):

Center for Genomic Medicine, Rigshospitalet, Copenhagen University Hospital
Classification: Uncertain significance. Last evaluated: 2025-03-04. Review status: criteria provided, single submitter. Criteria: ACMG Guidelines, 2015. Collection method: clinical testing. Allele origin: germline.

Labcorp Genetics (formerly Invitae), Labcorp
Classification: Uncertain significance for Oligodontia-cancer predisposition syndrome. Last evaluated: 2021-10-30. Review status: criteria provided, single submitter. Criteria: Invitae Variant Classification Sherloc (09022015). Collection method: clinical testing. Allele origin: germline.
Comment: In summary, the available evidence is currently insufficient to determine the role of this variant in disease. Therefore, it has been classified as a Variant of Uncertain Significance. Algorithms developed to predict the effect of missense changes on protein structure and function are either unavailable or do not agree on the potential impact of this missense change (SIFT: "Tolerated"; PolyPhen-2: "Possibly Damaging"; Align-GVGD: "Class C0"). This variant has not been reported in the literature in individuals affected with AXIN2-related conditions. This variant is not present in population databases (gnomAD no frequency). This sequence change replaces arginine, which is basic and polar, with glycine, which is neutral and non-polar, at codon 659 of the AXIN2 protein (p.Arg659Gly).

NM_004655.4(AXIN2):c.1975C>G (p.Arg659Gly)

Gene: AXIN2 (axin 2; minus strand). Cytogenetic location: 17q24.1.
Variant type: single nucleotide variant.
Coding change: c.1975C>G on transcript NM_004655.4 (MANE Select); coding-DNA position 1975, C replaced by G.
Protein change: p.Arg659Gly; replaces arginine 659 with glycine.
Molecular consequence: missense variant.
Genome position (GRCh38, 1-based): chr17:65,536,486, G>C on the plus strand (C>G on the coding strand, the complement: AXIN2 is on the minus strand). VCF-style: chr17-65536486-G-C. GRCh37 (hg19) VCF-style: chr17-63532604-G-C.
Other names: c.1780C>G, p.Arg594Gly (NM_001363813.1); short protein forms R594G, R659G.
Identifiers: ClinVar variation 1483076 (VCV001483076.12), dbSNP rs142670753, ClinGen allele CA400676226.
Genomic context (GRCh38, chr17:65,536,486, plus strand): 5'-ACAGGTGGGCACGGGGGGTGGTGCGGGGGTGCCCGCTGTTGCCCCCCCACAGATGGTGCC[G>C]GCTGGCTCGTTCGCCTGGAGACGAGCGGGCAGACTCCAAGGGGTAGGCCTTTTTTGTGCT-3'
Protein context (NP_004646.3, residues 649-669): ARSSPGERAS[Arg659Gly]HHLWGGNSGH